The following is an entry in ClinVar:

ClinVar aggregate classification (germline): Uncertain significance (1 of 4 stars; one submission).

Allele frequency attached by ClinVar (database versions not stated): gnomAD 0.00001; gnomAD exomes 0.00001 and 0.00011; TOPMed 0.00003; ExAC 0.00018.
gnomAD v4.1: 20 of 1,559,610 alleles (0.0013%); highest among the groups gnomAD compares: East Asian, 0.043%; no homozygotes.

Submission:

Labcorp Genetics (formerly Invitae), Labcorp
Classification: Uncertain significance. Last evaluated: 2019-01-03. Review status: criteria provided, single submitter. Criteria: Invitae Variant Classification Sherloc (09022015). Collection method: clinical testing. Allele origin: germline.
Comment: In summary, the available evidence is currently insufficient to determine the role of this variant in disease. Therefore, it has been classified as a Variant of Uncertain Significance. Algorithms developed to predict the effect of missense changes on protein structure and function (SIFT, PolyPhen-2, Align-GVGD) all suggest that this variant is likely to be tolerated, but these predictions have not been confirmed by published functional studies and their clinical significance is uncertain. This variant has not been reported in the literature in individuals with B4GALT1-related conditions. ClinVar contains an entry for this variant (Variation ID: 366664). This variant is present in population databases (rs772326863, ExAC 0.2%). This sequence change replaces proline with threonine at codon 110 of the B4GALT1 protein (p.Pro110Thr). The proline residue is weakly conserved and there is a small physicochemical difference between proline and threonine.

NM_001497.4(B4GALT1):c.328C>A (p.Pro110Thr)

Gene: B4GALT1 (beta-1,4-galactosyltransferase 1; minus strand). Cytogenetic location: 9p21.1.
Variant type: single nucleotide variant.
Coding change: c.328C>A on transcript NM_001497.4 (MANE Select); coding-DNA position 328, C replaced by A.
Protein change: p.Pro110Thr; replaces proline 110 with threonine.
Molecular consequence: missense variant.
Genome position (GRCh38, 1-based): chr9:33,166,842, G>T on the plus strand (C>A on the coding strand, the complement: B4GALT1 is on the minus strand). VCF-style: chr9-33166842-G-T. GRCh37 (hg19) VCF-style: chr9-33166840-G-T.
Other names: c.289C>A, p.Pro97Thr (NM_001378495.1); c.328C>A, p.Pro110Thr (NM_001378496.1, NM_001378497.1); short protein forms P110T, P97T.
Identifiers: ClinVar variation 366664 (VCV000366664.10), dbSNP rs772326863, ClinGen allele CA5023802.